The following is an entry in ClinVar:

ClinVar aggregate classification (germline): Uncertain significance. Review status: criteria provided, multiple submitters, no conflicts (2 of 4 stars). 2 submissions from 2 submitters: Uncertain significance (2). Last evaluated 2025-02-18.

Conditions:
Neuroblastoma, susceptibility to, 1. Identifiers: MedGen C2749485, MONDO:0009741, OMIM 256700.

Allele frequency attached by ClinVar (database versions not stated): gnomAD exomes below 0.00001; TOPMed 0.00001.
gnomAD v4.1: 2 of 1,614,182 alleles (0.00012%); highest among the groups gnomAD compares: Admixed American, 0.0033%; no homozygotes.

Submissions (2):

Ambry Genetics
Classification: Uncertain significance. Last evaluated: 2025-02-18. Review status: criteria provided, single submitter. Criteria: Ambry Variant Classification Scheme 2023. Collection method: clinical testing. Allele origin: germline.

St. Jude Molecular Pathology, St. Jude Children's Research Hospital
Classification: Uncertain significance for Neuroblastoma, susceptibility to, 1. Last evaluated: 2023-05-08. Review status: criteria provided, single submitter. Criteria: St. Jude Assertion Criteria 2020. Collection method: clinical testing. Allele origin: germline.
Comment: The KIF1B c.2387T>C (p.Leu796Ser) missense change is absent in gnomAD v2.1.1. The in silico tool REVEL predicts a deleterious effect on protein function, but to our knowledge this prediction has not been confirmed by functional studies. To our knowledge, this variant has not been reported in individuals with pheochromocytoma or neuroblastoma. In summary, the evidence currently available is insufficient to determine the clinical significance of this variant. It has therefore been classified as of uncertain significance.

NM_001365951.3(KIF1B):c.2525T>C (p.Leu842Ser)

Gene: KIF1B (kinesin family member 1B; plus strand). Cytogenetic location: 1p36.22.
Variant type: single nucleotide variant.
Coding change: c.2525T>C on transcript NM_001365951.3 (MANE Select); coding-DNA position 2525, T replaced by C.
Protein change: p.Leu842Ser; replaces leucine 842 with serine.
Molecular consequence: missense variant.
Genome position (GRCh38, 1-based): chr1:10,324,050, T>C. VCF-style: chr1-10324050-T-C. GRCh37 (hg19) VCF-style: chr1-10384108-T-C.
Other names: c.2525T>C, p.Leu842Ser (NM_001365952.1); c.2387T>C, p.Leu796Ser (NM_015074.3); short protein forms L796S, L842S.
Identifiers: ClinVar variation 1790508 (VCV001790508.4), dbSNP rs1047182540, ClinGen allele CA17835951.
Genomic context (GRCh38, chr1:10,324,050, plus strand): 5'-GCACAGTGGTAGCAGTAGAAGTCCAGGATTTGAAGAATGGAGCAACACACTATTGGTCTT[T>C]GGAGAAACTCAAGTATGAAAACATTCATAAAGGCTGGTTGTTTTATTTAGGAAATAACAA-3'
Protein context (NP_001352880.1, residues 832-852): LKNGATHYWS[Leu842Ser]EKLKQRLDLM